The following is an entry in ClinVar:

ClinVar aggregate classification (germline): Likely benign. Review status: criteria provided, single submitter (1 of 4 stars). 2 submissions from 2 submitters: Likely benign (1). 1 of the submissions does not count toward it. Last evaluated 2024-11-05.

Conditions:
FGFRL1-related disorder. Also called: FGFRL1-related condition.

Allele frequency attached by ClinVar (database versions not stated): gnomAD 0.00008; TOPMed 0.00009; ExAC 0.00011; ESP Exome Variant Server 0.00016.
gnomAD v4.1: 150 of 1,609,558 alleles (0.0093%); highest among the groups gnomAD compares: Middle Eastern, 0.5%; no homozygotes.

Submissions (2):

Labcorp Genetics (formerly Invitae), Labcorp
Classification: Likely benign. Last evaluated: 2024-11-05. Review status: criteria provided, single submitter. Criteria: Invitae Variant Classification Sherloc (09022015). Collection method: clinical testing. Allele origin: germline.

PreventionGenetics, part of Exact Sciences
Classification: Likely benign for FGFRL1-related condition. Last evaluated: 2019-04-25. Review status: no assertion criteria provided. Collection method: clinical testing. Allele origin: germline. Not counted in ClinVar's aggregate classification.
Comment: This variant is classified as likely benign based on ACMG/AMP sequence variant interpretation guidelines (Richards et al. 2015 PMID: 25741868, with internal and published modifications).

NM_001004356.3(FGFRL1):c.1224C>T (p.Pro408=)

Gene: FGFRL1 (fibroblast growth factor receptor like 1; plus strand). Cytogenetic location: 4p16.3.
Variant type: single nucleotide variant.
Coding change: c.1224C>T on transcript NM_001004356.3 (MANE Select); coding-DNA position 1224, C replaced by T.
Protein change: p.Pro408=; no amino-acid change (proline 408 retained).
Molecular consequence: synonymous variant.
Genome position (GRCh38, 1-based): chr4:1,025,056, C>T. VCF-style: chr4-1025056-C-T. GRCh37 (hg19) VCF-style: chr4-1018844-C-T.
Other names: c.1224C>T, p.Pro408= (NM_001004358.1, NM_001370296.1, NM_021923.3).
Identifiers: ClinVar variation 3058404 (VCV003058404.4), dbSNP rs201062727, ClinGen allele CA2803032.